The following is an entry in ClinVar:

NM_177438.3(DICER1):c.5383G>C (p.Asp1795His)

Gene: DICER1 (dicer 1, ribonuclease III; minus strand). Cytogenetic location: 14q32.13.
Variant type: single nucleotide variant.
Coding change: c.5383G>C on transcript NM_177438.3 (MANE Select); coding-DNA position 5383, G replaced by C.
Protein change: p.Asp1795His; replaces aspartic acid 1795 with histidine.
Molecular consequence: missense variant. On other transcripts: non-coding transcript variant (6), intron variant (1).
Genome position (GRCh38, 1-based): chr14:95,091,347, C>G on the plus strand (G>C on the coding strand, the complement: DICER1 is on the minus strand). VCF-style: chr14-95091347-C-G. GRCh37 (hg19) VCF-style: chr14-95557684-C-G.
Other names: c.4978G>C, p.Asp1660His (NM_001395689.1, NM_001395690.1, NM_001395687.1 and 1 more transcripts); c.4816G>C, p.Asp1606His (NM_001395691.1); c.3700G>C, p.Asp1234His (NM_001395697.1); c.5383G>C, p.Asp1795His (NM_030621.4, NM_001395679.1, NM_001395680.1 and 7 more transcripts); c.5101G>C, p.Asp1701His (NM_001395686.1); c.5365-238G>C (NM_001195573.1); short protein forms D1606H, D1660H, D1701H, D1234H, D1795H.
Identifiers: ClinVar variation 5035292 (VCV005035292.1).

ClinVar aggregate classification (germline): Uncertain significance (1 of 4 stars; one submission).

Conditions:
Hereditary cancer-predisposing syndrome. Also called: Hereditary Cancer Syndrome; Neoplastic Syndromes, Hereditary; Tumor predisposition; Hereditary neoplastic syndrome. Identifiers: Orphanet 140162, MedGen C0027672, MeSH D009386, MONDO:0015356.

Submission:

Ambry Genetics
Classification: Uncertain significance for Hereditary cancer-predisposing syndrome. Last evaluated: 2026-07-13. Review status: criteria provided, single submitter. Criteria: Ambry Variant Classification Scheme 2023. Collection method: clinical testing. Allele origin: germline.
Comment: The p.D1795H variant (also known as c.5383G>C), located in coding exon 24 of the DICER1 gene, results from a G to C substitution at nucleotide position 5383. The aspartic acid at codon 1795 is replaced by histidine, an amino acid with similar properties. This amino acid position is conserved. In addition, the in silico prediction for this alteration is inconclusive. Based on the available evidence, the clinical significance of this variant remains unclear.